The following is an entry in ClinVar:

ClinVar aggregate classification (germline): Likely pathogenic (1 of 4 stars; one submission).

Submission:

Mayo Clinic Laboratories, Mayo Clinic
Classification: Likely pathogenic. Last evaluated: 2022-07-28. Review status: criteria provided, single submitter. Criteria: ACMG Guidelines, 2015. Collection method: clinical testing. Allele origin: germline. Observed: 1 variant allele.
Comment: PM2, PVS1

NM_000037.4(ANK1):c.1880C>G (p.Ser627Ter)

Gene: ANK1 (ankyrin 1; minus strand). Cytogenetic location: 8p11.21.
Variant type: single nucleotide variant.
Coding change: c.1880C>G on transcript NM_000037.4 (MANE Select); coding-DNA position 1880, C replaced by G.
Protein change: p.Ser627Ter; replaces serine 627 with a stop codon.
Molecular consequence: nonsense.
Genome position (GRCh38, 1-based): chr8:41,708,896, G>C on the plus strand (C>G on the coding strand, the complement: ANK1 is on the minus strand). VCF-style: chr8-41708896-G-C. GRCh37 (hg19) VCF-style: chr8-41566414-G-C.
Other names: p.Ser627*; c.1979C>G, p.Ser660Ter (NM_001142446.2); c.1880C>G, p.Ser627Ter (NM_020475.3, NM_020476.3, NM_020477.3); short protein forms S627*, S660*.
Identifiers: ClinVar variation 2683380 (VCV002683380.1), dbSNP rs2486869415, ClinGen allele CA371067964.